The following is an entry in ClinVar:

NM_004380.3(CREBBP):c.1179T>G (p.Asn393Lys)

Gene: CREBBP (CREB binding lysine acetyltransferase; minus strand). Cytogenetic location: 16p13.3.
Variant type: single nucleotide variant.
Coding change: c.1179T>G on transcript NM_004380.3 (MANE Select); coding-DNA position 1179, T replaced by G.
Protein change: p.Asn393Lys; replaces asparagine 393 with lysine.
Molecular consequence: missense variant.
Genome position (GRCh38, 1-based): chr16:3,793,423, A>C on the plus strand (T>G on the coding strand, the complement: CREBBP is on the minus strand). VCF-style: chr16-3793423-A-C. GRCh37 (hg19) VCF-style: chr16-3843424-A-C.
Other names: c.1179T>G, p.Asn393Lys (NM_001079846.1); short protein forms N393K.
Identifiers: ClinVar variation 4532497 (VCV004532497.1).

ClinVar aggregate classification (germline): Uncertain significance (1 of 4 stars; one submission).

Submission:

GeneDx
Classification: Uncertain significance. Last evaluated: 2025-05-27. Review status: criteria provided, single submitter. Criteria: GeneDx Variant Classification Process June 2021. Collection method: clinical testing. Allele origin: germline. Affected: yes.
Comment: Not observed at significant frequency in large population cohorts (gnomAD); In silico analysis supports that this missense variant has a deleterious effect on protein structure/function; Has not been previously published as pathogenic or benign to our knowledge